The following is an entry in ClinVar:

ClinVar aggregate classification (germline): Uncertain significance. Review status: criteria provided, multiple submitters, no conflicts (2 of 4 stars). 3 submissions from 3 submitters: Uncertain significance (3). Last evaluated 2023-04-11.

Conditions:
MHC class II deficiency. Also called: Bare lymphocyte syndrome 2; BLS, TYPE II. Identifiers: Orphanet 572, MedGen C5447452, MONDO:0008855.

Allele frequency attached by ClinVar (database versions not stated): gnomAD exomes below 0.00001; TOPMed below 0.00001; gnomAD 0.00001; 1000 Genomes Project 30x 0.00016; 1000 Genomes Project 0.00020.
gnomAD v4.1: 5 of 1,613,760 alleles (0.00031%); highest among the groups gnomAD compares: Non-Finnish European, 0.00042%; no homozygotes.

Submissions (3):

Genome-Nilou Lab
Classification: Uncertain significance for MHC class II deficiency 1. Last evaluated: 2023-04-11. Review status: criteria provided, single submitter. Criteria: ACMG Guidelines, 2015. Collection method: clinical testing. Allele origin: germline. Affected: no.

Ambry Genetics
Classification: Uncertain significance. Last evaluated: 2023-03-01. Review status: criteria provided, single submitter. Criteria: Ambry Variant Classification Scheme 2023. Collection method: clinical testing. Allele origin: germline.

Labcorp Genetics (formerly Invitae), Labcorp
Classification: Uncertain significance for MHC class II deficiency. Last evaluated: 2021-08-20. Review status: criteria provided, single submitter. Criteria: Invitae Variant Classification Sherloc (09022015). Collection method: clinical testing. Allele origin: germline.
Comment: This sequence change replaces isoleucine with valine at codon 344 of the RFX5 protein (p.Ile344Val). The isoleucine residue is weakly conserved and there is a small physicochemical difference between isoleucine and valine. This variant is not present in population databases (ExAC no frequency). This variant has not been reported in the literature in individuals affected with RFX5-related conditions. Algorithms developed to predict the effect of missense changes on protein structure and function output the following: SIFT: "Tolerated"; PolyPhen-2: "Benign"; Align-GVGD: "Class C0". The valine amino acid residue is found in multiple mammalian species, which suggests that this missense change does not adversely affect protein function. Algorithms developed to predict the effect of sequence changes on RNA splicing suggest that this variant may create or strengthen a splice site. In summary, the available evidence is currently insufficient to determine the role of this variant in disease. Therefore, it has been classified as a Variant of Uncertain Significance.

NM_001025603.2(RFX5):c.1030A>G (p.Ile344Val)

Gene: RFX5 (regulatory factor X5; minus strand). Cytogenetic location: 1q21.3.
Variant type: single nucleotide variant.
Coding change: c.1030A>G on transcript NM_001025603.2 (MANE Select); coding-DNA position 1030, A replaced by G.
Protein change: p.Ile344Val; replaces isoleucine 344 with valine.
Molecular consequence: missense variant.
Genome position (GRCh38, 1-based): chr1:151,343,007, T>C on the plus strand (A>G on the coding strand, the complement: RFX5 is on the minus strand). VCF-style: chr1-151343007-T-C. GRCh37 (hg19) VCF-style: chr1-151315483-T-C.
Other names: c.1030A>G, p.Ile344Val (NM_001379415.1, NM_001379416.1, NM_001379417.1 and 5 more transcripts); c.910A>G, p.Ile304Val (NM_001379419.1, NM_001379420.1); short protein forms I344V, I304V.
Identifiers: ClinVar variation 856029 (VCV000856029.9), dbSNP rs201420133, ClinGen allele CA29558640.